The following is an entry in ClinVar:

ClinVar aggregate classification (germline): Likely pathogenic (1 of 4 stars; one submission).

Conditions:
Autosomal recessive spinocerebellar ataxia 20. Identifiers: Orphanet 397709, MedGen C5190595, MONDO:0014601, OMIM 616354.

Submission:

Neuberg Centre For Genomic Medicine, NCGM
Classification: Likely pathogenic for Autosomal recessive spinocerebellar ataxia 20. Last evaluated: 2023-06-22. Review status: criteria provided, single submitter. Criteria: ACMG Guidelines, 2015. Collection method: clinical testing. Allele origin: germline. Inheritance: Autosomal recessive inheritance. Affected: yes.
Comment: The stop gained variant [c.28C>T; p.Gln10Ter] in the SNX14 gene has not been previously reported as a pathogenic variant nor as a benign variant, to our knowledge. The c.28C>T variant is absent in the gnomAD Exomes. This variant has not been submitted in the ClinVar database. Computational evidence (MutationTaster - Disease causing) predicts damaging effect on protein structure and function for this variant. The nucleotide change c.28C>T in SNX14 is predicted as conserved by GERP++ and PhyloP across 100 vertebrates. This sequence change creates a premature translational stop signal (p.Gln10Ter) in the SNX14 gene. This variant is predicted to cause loss of normal protein function through protein truncation. Loss of function variants have been previously reported to be disease causing. For these reasons, this variant has been classified as Likely Pathogenic.

NM_153816.6(SNX14):c.28C>T (p.Gln10Ter)

Gene: SNX14 (sorting nexin 14; minus strand). Cytogenetic location: 6q14.3.
Variant type: single nucleotide variant.
Coding change: c.28C>T on transcript NM_153816.6 (MANE Select); coding-DNA position 28, C replaced by T.
Protein change: p.Gln10Ter; replaces glutamine 10 with a stop codon.
Molecular consequence: nonsense. On other transcripts: 5 prime UTR variant (5), non-coding transcript variant (4), intron variant (9).
Genome position (GRCh38, 1-based): chr6:85,593,691, G>A on the plus strand (C>T on the coding strand, the complement: SNX14 is on the minus strand). VCF-style: chr6-85593691-G-A. GRCh37 (hg19) VCF-style: chr6-86303409-G-A.
Other names: c.28C>T, p.Gln10Ter (NM_001297614.3, NM_001350532.2, NM_001350533.2 and 8 more transcripts); c.-373C>T (NM_001350545.2); c.-992C>T (NM_001350548.2); c.-1124C>T (NM_001350550.2); c.-1039C>T (NM_001350551.2); c.-1156C>T (NM_001350552.2); c.-17+143C>T (NM_001350543.2, NM_001350539.2, NM_001350542.2 and 2 more transcripts); c.-261+143C>T (NM_001350546.2); and 2 more; short protein forms Q10*.
Identifiers: ClinVar variation 3731483 (VCV003731483.1).
Genomic context (GRCh38, chr6:85,593,691, plus strand): 5'-GCGGGTACTGGCGGCAGATCTCGCGTCCCACGTCCAGTCGCAGCCGCTGCTTCAGCTTCT[G>A]CCCCATCGTCCGCACCCAGGGCACCATCTCCGTAACGGCGAGGCCGAGACTGCGCTACTG-3'